The following is an entry in ClinVar:

NM_000540.3(RYR1):c.10347+16_10347+22del

Gene: RYR1 (ryanodine receptor 1; plus strand). Cytogenetic location: 19q13.2.
Variant type: Deletion.
Coding change: c.10347+16_10347+22del on transcript NM_000540.3 (MANE Select); bases 16 to 22 of the intron after coding-DNA position 10347, 7 bases deleted (AACCGCC; older notation c.10347+16_10347+22delAACCGCC).
Molecular consequence: intron variant.
Genome position (GRCh38, 1-based): chr19:38,523,131-38,523,137, AACCGCC deleted; deleting any 7 consecutive bases within chr19:38,523,129-38,523,137 gives the same sequence; the c. name uses the placement nearest the transcript's 3' end. VCF-style (leftmost placement, unchanged base first): chr19-38523128-CCCAACCG-C. GRCh37 (hg19) VCF-style: chr19-39013768-CCCAACCG-C.
Other names: c.10347+16_10347+22delAACCGCC (NM_000540.3); c.10347+16_10347+22del (NM_001042723.2).
Identifiers: ClinVar variation 2727420 (VCV002727420.4), dbSNP rs2514462973, ClinGen allele CA2697556558.

ClinVar aggregate classification (germline): Likely benign. Review status: criteria provided, multiple submitters, no conflicts (2 of 4 stars). 2 submissions from 2 submitters: Likely benign (2). Last evaluated 2024-01-29.

Conditions:
RYR1-related disorder. Also called: RYR1-related condition; RYR1-related disorders. Identifiers: MedGen CN239331.

Submissions (2):

Women's Health and Genetics/Laboratory Corporation of America, LabCorp
Classification: Likely benign. Last evaluated: 2024-01-29. Review status: criteria provided, single submitter. Criteria: LabCorp Variant Classification Summary - May 2015. Collection method: clinical testing. Allele origin: germline.
Comment: Variant summary: RYR1 c.10347+16_10347+22delAACCGCC alters a non-conserved nucleotide located at a position not widely known to affect splicing. Consensus agreement among computation tools predict no significant impact on normal splicing. However, these predictions have yet to be confirmed by functional studies. The variant was absent in 250780 control chromosomes. The available data on variant occurrences in the general population are insufficient to allow any conclusion about variant significance. To our knowledge, no occurrence of c.10347+16_10347+22delAACCGCC in individuals affected with Myopathy, RYR1-Associated and no experimental evidence demonstrating its impact on protein function have been reported. No submitters have cited clinical-significance assessments for this variant to ClinVar. Based on the evidence outlined above, the variant was classified as likely benign.

Labcorp Genetics (formerly Invitae), Labcorp
Classification: Likely benign for RYR1-related disorder. Last evaluated: 2023-06-27. Review status: criteria provided, single submitter. Criteria: Invitae Variant Classification Sherloc (09022015). Collection method: clinical testing. Allele origin: germline.